The following is an entry in ClinVar:

ClinVar aggregate classification (germline): Benign/Likely benign. Review status: criteria provided, multiple submitters, no conflicts (2 of 4 stars). 3 submissions from 3 submitters: Benign (1); Likely benign (2). Last evaluated 2026-07-29.

Conditions:
Hereditary cancer-predisposing syndrome. Also called: Hereditary neoplastic syndrome; Neoplastic Syndromes, Hereditary; Tumor predisposition; Hereditary Cancer Syndrome. Identifiers: Orphanet 140162, MedGen C0027672, MeSH D009386, MONDO:0015356.
Hereditary pheochromocytoma and paraganglioma. Also called: Hereditary pheochromocytoma-paraganglioma; Hereditary paragangliomas and pheochromocytomas; Hereditary Paraganglioma-Pheochromocytoma Syndromes. Identifiers: Orphanet 29072, MedGen C4274332, MONDO:0017366.

Submissions (3):

Myriad Genetics, Inc.
Classification: Benign for Hereditary pheochromocytoma and paraganglioma. Last evaluated: 2026-07-29. Review status: criteria provided, single submitter. Criteria: Myriad Autosomal Dominant, Autosomal Recessive and X-Linked Classification Criteria (2023). Collection method: clinical testing. Allele origin: unknown.
Comment: This variant is considered benign. This variant is a silent/synonymous amino acid change and it is not expected to impact splicing.

Labcorp Genetics (formerly Invitae), Labcorp
Classification: Likely benign for Hereditary pheochromocytoma and paraganglioma. Last evaluated: 2022-08-16. Review status: criteria provided, single submitter. Criteria: Invitae Variant Classification Sherloc (09022015). Collection method: clinical testing. Allele origin: germline.

Ambry Genetics
Classification: Likely benign for Hereditary cancer-predisposing syndrome. Last evaluated: 2020-10-12. Review status: criteria provided, single submitter. Criteria: Ambry Variant Classification Scheme 2023. Collection method: clinical testing. Allele origin: germline.

NM_017849.4(TMEM127):c.153C>T (p.Pro51=)

Gene: TMEM127 (transmembrane protein 127; minus strand). Cytogenetic location: 2q11.2.
Variant type: single nucleotide variant.
Coding change: c.153C>T on transcript NM_017849.4 (MANE Select); coding-DNA position 153, C replaced by T.
Protein change: p.Pro51=; no amino-acid change (proline 51 retained).
Molecular consequence: synonymous variant.
Genome position (GRCh38, 1-based): chr2:96,265,229, G>A on the plus strand (C>T on the coding strand, the complement: TMEM127 is on the minus strand). VCF-style: chr2-96265229-G-A. GRCh37 (hg19) VCF-style: chr2-96930967-G-A.
Other names: c.153C>T, p.Pro51= (NM_001193304.3).
Identifiers: ClinVar variation 763111 (VCV000763111.12), dbSNP rs1573977758, ClinGen allele CA427496329.